The following is an entry in ClinVar:

NM_001845.6(COL4A1):c.3253G>A (p.Gly1085Arg)

Gene: COL4A1 (collagen type IV alpha 1 chain; minus strand). Cytogenetic location: 13q34.
Variant type: single nucleotide variant.
Coding change: c.3253G>A on transcript NM_001845.6 (MANE Select); coding-DNA position 3253, G replaced by A.
Protein change: p.Gly1085Arg; replaces glycine 1085 with arginine.
Molecular consequence: missense variant.
Genome position (GRCh38, 1-based): chr13:110,174,695, C>T on the plus strand (G>A on the coding strand, the complement: COL4A1 is on the minus strand). VCF-style: chr13-110174695-C-T. GRCh37 (hg19) VCF-style: chr13-110827042-C-T.
Other names: short protein forms G1085R.
Identifiers: ClinVar variation 4072336 (VCV004072336.3).

ClinVar aggregate classification (germline): Likely pathogenic. Review status: criteria provided, multiple submitters, no conflicts (2 of 4 stars). 2 submissions from 2 submitters: Likely pathogenic (2). Last evaluated 2026-04-01.

Conditions:
Brain small vessel disease 1 with or without ocular anomalies (BSVD1). Also called: PORENCEPHALY, TYPE 1, AUTOSOMAL DOMINANT; GOULD SYNDROME 1; Brain small vessel disease with or without ocular anomalies; BRAIN SMALL VESSEL DISEASE WITH HEMORRHAGE. Identifiers: Orphanet 2940, Orphanet 36383, Orphanet 99810, MedGen C4755307, MONDO:0008289, OMIM 175780.

Submissions (2):

CeGaT Center for Human Genetics Tuebingen
Classification: Likely pathogenic. Last evaluated: 2026-04-01. Review status: criteria provided, single submitter. Criteria: CeGaT Center For Human Genetics Tuebingen Variant Classification Criteria Version 2. Collection method: clinical testing. Allele origin: germline. Affected: yes. Observed: 1 variant allele.
Comment: COL4A1: PM1:Strong, PM2, PS2:Moderate

MVZ Martinsried, Medicover Genetics
Classification: Likely pathogenic for Brain small vessel disease 1 with or without ocular anomalies. Last evaluated: 2025-05-23. Review status: criteria provided, single submitter. Criteria: ACGS Guidelines, 2020. Collection method: clinical testing. Allele origin: de novo. Affected: yes. Observed: 1 heterozygote.